The following is an entry in ClinVar:

ClinVar aggregate classification (germline): Uncertain significance (1 of 4 stars; one submission).

Conditions:
Marfan syndrome (MFS). Also called: MARFAN SYNDROME, TYPE I; Marfan syndrome type 1; Marfan's syndrome; Marfan syndrome, classic; FBN1-Related Marfan Syndrome. Identifiers: Orphanet 284963, Orphanet 558, MedGen C0024796, MONDO:0007947, OMIM 154700.
Familial thoracic aortic aneurysm and aortic dissection (TAAD). Also called: Thoracic aortic aneurysms and dissections. Identifiers: Orphanet 91387, MedGen C4707243, MONDO:0019625.

Allele frequency attached by ClinVar (database versions not stated): TOPMed 0.00001.
gnomAD v4.1: 1 of 1,613,462 alleles (0.000062%); no homozygotes.

Submission:

Labcorp Genetics (formerly Invitae), Labcorp
Classification: Uncertain significance for Marfan syndrome; Familial thoracic aortic aneurysm and aortic dissection. Last evaluated: 2021-11-01. Review status: criteria provided, single submitter. Criteria: Invitae Variant Classification Sherloc (09022015). Collection method: clinical testing. Allele origin: germline.
Comment: This sequence change replaces threonine, which is neutral and polar, with isoleucine, which is neutral and non-polar, at codon 2145 of the FBN1 protein (p.Thr2145Ile). This variant is not present in population databases (gnomAD no frequency). This variant has not been reported in the literature in individuals affected with FBN1-related conditions. Algorithms developed to predict the effect of missense changes on protein structure and function are either unavailable or do not agree on the potential impact of this missense change (SIFT: "Deleterious"; PolyPhen-2: "Possibly Damaging"; Align-GVGD: "Class C0"). In summary, the available evidence is currently insufficient to determine the role of this variant in disease. Therefore, it has been classified as a Variant of Uncertain Significance.

NM_000138.5(FBN1):c.6434C>T (p.Thr2145Ile)

Gene: FBN1 (fibrillin 1; minus strand). Cytogenetic location: 15q21.1.
Variant type: single nucleotide variant.
Coding change: c.6434C>T on transcript NM_000138.5 (MANE Select); coding-DNA position 6434, C replaced by T.
Protein change: p.Thr2145Ile; replaces threonine 2145 with isoleucine.
Molecular consequence: missense variant.
Genome position (GRCh38, 1-based): chr15:48,437,023, G>A on the plus strand (C>T on the coding strand, the complement: FBN1 is on the minus strand). VCF-style: chr15-48437023-G-A. GRCh37 (hg19) VCF-style: chr15-48729220-G-A.
Other names: short protein forms T2145I.
Identifiers: ClinVar variation 1438047 (VCV001438047.6), dbSNP rs2043078019, ClinGen allele CA392336595.